The following is an entry in ClinVar:

ClinVar aggregate classification (germline): Uncertain significance. Review status: criteria provided, multiple submitters, no conflicts (2 of 4 stars). 2 submissions from 2 submitters: Uncertain significance (2). Last evaluated 2025-07-30.

Conditions:
Baller-Gerold syndrome (BGS). Also called: CRANIOSYNOSTOSIS WITH RADIAL DEFECTS. Identifiers: Orphanet 1225, MedGen C0265308, MONDO:0009039, OMIM 218600.
Inborn genetic diseases. Identifiers: MedGen C0950123, MeSH D030342.

gnomAD v4.1: 7 of 1,612,028 alleles (0.00043%); highest among the groups gnomAD compares: African/African-American, 0.0013%; no homozygotes.

Submissions (2):

Labcorp Genetics (formerly Invitae), Labcorp
Classification: Uncertain significance for Baller-Gerold syndrome. Last evaluated: 2025-07-30. Review status: criteria provided, single submitter. Criteria: Invitae Variant Classification Sherloc (09022015). Collection method: clinical testing. Allele origin: germline.
Comment: This sequence change replaces proline, which is neutral and non-polar, with leucine, which is neutral and non-polar, at codon 598 of the RECQL4 protein (p.Pro598Leu). This variant is present in population databases (no rsID available, gnomAD 0.002%). This variant has not been reported in the literature in individuals affected with RECQL4-related conditions. ClinVar contains an entry for this variant (Variation ID: 1930105). Invitae Evidence Modeling of protein sequence and biophysical properties (such as structural, functional, and spatial information, amino acid conservation, physicochemical variation, residue mobility, and thermodynamic stability) indicates that this missense variant is not expected to disrupt RECQL4 protein function with a negative predictive value of 80%. In summary, the available evidence is currently insufficient to determine the role of this variant in disease. Therefore, it has been classified as a Variant of Uncertain Significance.

Ambry Genetics
Classification: Uncertain significance for Inborn genetic diseases. Last evaluated: 2025-03-10. Review status: criteria provided, single submitter. Criteria: Ambry Variant Classification Scheme 2023. Collection method: clinical testing. Allele origin: germline.
Comment: The p.P598L variant (also known as c.1793C>T), located in coding exon 11 of the RECQL4 gene, results from a C to T substitution at nucleotide position 1793. The proline at codon 598 is replaced by leucine, an amino acid with similar properties. This amino acid position is conserved. In addition, this alteration is predicted to be tolerated by in silico analysis. Based on the available evidence, the clinical significance of this variant remains unclear.

NM_004260.4(RECQL4):c.1793C>T (p.Pro598Leu)

Gene: RECQL4 (RecQ like helicase 4; minus strand). Cytogenetic location: 8q24.3.
Variant type: single nucleotide variant.
Coding change: c.1793C>T on transcript NM_004260.4 (MANE Select); coding-DNA position 1793, C replaced by T.
Protein change: p.Pro598Leu; replaces proline 598 with leucine.
Molecular consequence: missense variant.
Genome position (GRCh38, 1-based): chr8:144,514,274, G>A on the plus strand (C>T on the coding strand, the complement: RECQL4 is on the minus strand). VCF-style: chr8-144514274-G-A. GRCh37 (hg19) VCF-style: chr8-145739658-G-A.
Other names: c.1697C>T, p.Pro566Leu (NM_001413017.1, NM_001413020.1); c.1793C>T, p.Pro598Leu (NM_001413018.1, NM_001413019.1, NM_001413036.1); c.722C>T, p.Pro241Leu (NM_001413021.1, NM_001413022.1, NM_001413023.1 and 6 more transcripts); c.1664C>T, p.Pro555Leu (NM_001413025.1); c.656C>T, p.Pro219Leu (NM_001413027.1, NM_001413030.1, NM_001413032.1 and 1 more transcripts); c.1442C>T, p.Pro481Leu (NM_001413029.1); c.1763C>T, p.Pro588Leu (NM_001413039.1); c.692C>T, p.Pro231Leu (NM_001413042.1); and 2 more; short protein forms P109L, P555L, P598L, P241L, P588L, P219L, P231L, P481L.
Identifiers: ClinVar variation 1930105 (VCV001930105.6), dbSNP rs1010524385, ClinGen allele CA372680916.